The following is an entry in ClinVar:

ClinVar aggregate classification (germline): Likely benign. Review status: criteria provided, multiple submitters, no conflicts (2 of 4 stars). 2 submissions from 2 submitters: Likely benign (2). Last evaluated 2025-11-24.

Conditions:
Autosomal recessive limb-girdle muscular dystrophy type 2J (LGMDR10). Also called: MUSCULAR DYSTROPHY, LIMB-GIRDLE, AUTOSOMAL RECESSIVE 10; Limb-girdle muscular dystrophy, type 2J. Identifiers: Orphanet 140922, MedGen C1837342, MONDO:0012127, OMIM 608807.
Dilated cardiomyopathy 1G (CMD1G). Identifiers: Orphanet 154, MedGen C1858763, MONDO:0011400, OMIM 604145.

Allele frequency attached by ClinVar (database versions not stated): gnomAD exomes 0.00001; ExAC 0.00002; gnomAD 0.00002 and 0.00003; TOPMed 0.00002; ESP Exome Variant Server 0.00008.
gnomAD v4.1: 8 of 1,547,306 alleles (0.00052%); highest among the groups gnomAD compares: Non-Finnish European, 0.0007%; no homozygotes.

Submissions (2):

Labcorp Genetics (formerly Invitae), Labcorp
Classification: Likely benign for Dilated cardiomyopathy 1G; Autosomal recessive limb-girdle muscular dystrophy type 2J. Last evaluated: 2025-11-24. Review status: criteria provided, single submitter. Criteria: Invitae Variant Classification Sherloc (09022015). Collection method: clinical testing. Allele origin: germline.

GeneDx
Classification: Likely benign. Last evaluated: 2018-01-24. Review status: criteria provided, single submitter. Criteria: GeneDx Variant Classification (06012015). Collection method: clinical testing. Allele origin: germline. Affected: yes.
Comment: This variant is considered likely benign or benign based on one or more of the following criteria: it is a conservative change, it occurs at a poorly conserved position in the protein, it is predicted to be benign by multiple in silico algorithms, and/or has population frequency not consistent with disease.

NM_001267550.2(TTN):c.27886+17T>C

Gene: TTN (titin; minus strand). Cytogenetic location: 2q31.2.
Variant type: single nucleotide variant.
Coding change: c.27886+17T>C on transcript NM_001267550.2 (MANE Select); 17 bases into the intron after coding-DNA position 27886, T replaced by C.
Molecular consequence: intron variant.
Genome position (GRCh38, 1-based): chr2:178,711,927, A>G on the plus strand (T>C on the coding strand, the complement: TTN is on the minus strand). VCF-style: chr2-178711927-A-G. GRCh37 (hg19) VCF-style: chr2-179576654-A-G.
Other names: c.26935+17T>C (NM_001256850.1); c.13282+26155T>C (NM_003319.4); c.13858+26155T>C (NM_133437.4); c.13657+26155T>C (NM_133432.3); c.24154+17T>C (NM_133378.4).
Identifiers: ClinVar variation 515083 (VCV000515083.9), dbSNP rs376389312, ClinGen allele CA1999704.